The following is an entry in ClinVar:

ClinVar aggregate classification (germline): Benign/Likely benign. Review status: criteria provided, multiple submitters, no conflicts (2 of 4 stars). 6 submissions from 6 submitters: Benign (1); Likely benign (4). 1 of the submissions does not count toward it. Last evaluated 2025-10-01.

Conditions:
ATM-related disorder. Also called: ATM-related disorders; ATM-related condition.
Hereditary cancer-predisposing syndrome. Also called: Tumor predisposition; Neoplastic Syndromes, Hereditary; Hereditary Cancer Syndrome; Hereditary neoplastic syndrome. Identifiers: Orphanet 140162, MedGen C0027672, MeSH D009386, MONDO:0015356.
Familial cancer of breast. Also called: BREAST CANCER, FAMILIAL; hereditary breast carcinoma; Hereditary breast cancer. Identifiers: Orphanet 227535, MedGen C0346153, MONDO:0016419, OMIM 114480. Disease mechanism: loss of function.
Ataxia-telangiectasia syndrome (AT). Also called: Ataxia-telangiectasia; Ataxia-telangiectasia, complementation group D; AT, COMPLEMENTATION GROUP C; LOUIS-BAR SYNDROME; Cerebello-oculocutaneous telangiectasia; Immunodeficiency with ataxia telangiectasia. Identifiers: Orphanet 100, MedGen C0004135, MONDO:0008840, OMIM 208900.

Allele frequency attached by ClinVar (database versions not stated): gnomAD exomes below 0.00001; ExAC 0.00001; gnomAD 0.00003 and 0.00004; TOPMed 0.00003.
gnomAD v4.1: 7 of 1,613,556 alleles (0.00043%); highest among the groups gnomAD compares: African/African-American, 0.0094%; no homozygotes.

Submissions (6):

Labcorp Genetics (formerly Invitae), Labcorp
Classification: Likely benign for Ataxia-telangiectasia syndrome. Last evaluated: 2025-10-01. Review status: criteria provided, single submitter. Criteria: Invitae Variant Classification Sherloc (09022015). Collection method: clinical testing. Allele origin: germline.

Myriad Genetics, Inc.
Classification: Benign for Familial cancer of breast. Last evaluated: 2024-05-13. Review status: criteria provided, single submitter. Criteria: Myriad Autosomal Dominant, Autosomal Recessive and X-Linked Classification Criteria (2023). Collection method: clinical testing. Allele origin: unknown.
Comment: This variant is considered benign. This variant is a silent/synonymous amino acid change and it is not expected to impact splicing.

Ambry Genetics
Classification: Likely benign for Hereditary cancer-predisposing syndrome. Last evaluated: 2019-04-08. Review status: criteria provided, single submitter. Criteria: Ambry Variant Classification Scheme 2023. Collection method: clinical testing. Allele origin: germline.

GeneDx
Classification: Likely benign. Last evaluated: 2018-04-23. Review status: criteria provided, single submitter. Criteria: GeneDx Variant Classification (06012015). Collection method: clinical testing. Allele origin: germline. Affected: yes.
Comment: This variant is considered likely benign or benign based on one or more of the following criteria: it is a conservative change, it occurs at a poorly conserved position in the protein, it is predicted to be benign by multiple in silico algorithms, and/or has population frequency not consistent with disease.

Color Diagnostics, LLC DBA Color Health
Classification: Likely benign for Hereditary cancer-predisposing syndrome. Last evaluated: 2016-09-09. Review status: criteria provided, single submitter. Criteria: ACMG Guidelines, 2015. Collection method: clinical testing. Allele origin: germline.

PreventionGenetics, part of Exact Sciences
Classification: Likely benign for ATM-related condition. Last evaluated: 2022-03-28. Review status: no assertion criteria provided. Collection method: clinical testing. Allele origin: germline. Not counted in ClinVar's aggregate classification.
Comment: This variant is classified as likely benign based on ACMG/AMP sequence variant interpretation guidelines (Richards et al. 2015 PMID: 25741868, with internal and published modifications).

NM_000051.4(ATM):c.3012C>T (p.Ser1004=)

Gene: ATM (ATM serine/threonine kinase; plus strand). Cytogenetic location: 11q22.3.
Variant type: single nucleotide variant.
Coding change: c.3012C>T on transcript NM_000051.4 (MANE Select); coding-DNA position 3012, C replaced by T.
Protein change: p.Ser1004=; no amino-acid change (serine 1004 retained).
Molecular consequence: synonymous variant.
Genome position (GRCh38, 1-based): chr11:108,271,341, C>T. VCF-style: chr11-108271341-C-T. GRCh37 (hg19) VCF-style: chr11-108142068-C-T.
Other names: c.3012C>T, p.Ser1004= (NM_001351834.2).
Identifiers: ClinVar variation 490507 (VCV000490507.18), dbSNP rs751260996, ClinGen allele CA6265171.
Genomic context (GRCh38, chr11:108,271,341, plus strand): 5'-AGATGTTTGTAAAACTATTTTAAACCATGTCCTTCATGTAGTGAAAAACCTAGGTCAAAG[C>T]AATATGGACTCTGAGAACACAAGGGATGCTCAAGGACAGTTTCTTACAGTAATTGGAGCA-3'
Protein context (NP_000042.3, residues 994-1014): VLHVVKNLGQ[Ser1004=]NMDSENTRDA